The following is an entry in ClinVar:

NM_000540.3(RYR1):c.8548_8550del (p.Asp2850del)

Genes: RYR1 (ryanodine receptor 1; plus strand), LOC126862902 (BRD4-independent group 4 enhancer GRCh37_chr19:38995830-38997029; plus strand). Cytogenetic location: 19q13.2.
Variant type: Deletion.
Coding change: c.8548_8550del on transcript NM_000540.3 (MANE Select); coding-DNA positions 8548 to 8550, 3 bases deleted (GAT; older notation c.8548_8550delGAT).
Protein change: p.Asp2850del; deletes aspartic acid 2850.
Genome position (GRCh38, 1-based): chr19:38,506,309-38,506,311, GAT deleted; deleting any 3 consecutive bases within chr19:38,506,307-38,506,311 gives the same sequence; the c. name uses the placement nearest the transcript's 3' end. VCF-style (leftmost placement, unchanged base first): chr19-38506306-TATG-T. GRCh37 (hg19) VCF-style: chr19-38996946-TATG-T.
Other names: c.8548_8550del, p.Asp2850del (NM_001042723.2); short protein forms D2850del.
Identifiers: ClinVar variation 4756813 (VCV004756813.1).
Genomic context (GRCh38, chr19:38,506,306, plus strand): 5'-GCCTGGGCTTCCTGCTAGCCCATCAGCCCACCTCCCATCTTCCCCTTGTCCTCTCAGACC[TATG>T]ATCCTCGAGAAGGCTACAACCCTCAGCCCCCCGACCTTAGTGCTGTTACCCTGTCCCGGG-3'

ClinVar aggregate classification (germline): Uncertain significance (1 of 4 stars; one submission).

Conditions:
Malignant hyperthermia, susceptibility to, 1 (MHS1). Also called: RYR1-Related Malignant Hyperthermia Susceptibility; Malignant hyperthermia suceptibility 1; Anesthesia related hyperthermia; Malignant hyperpyrexia; Fulminating hyperpyrexia; Pharmacogenic myopathy. Identifiers: Orphanet 423, MedGen C2930980, MONDO:0007783, OMIM 145600.

Submission:

Color Diagnostics, LLC DBA Color Health
Classification: Uncertain significance for Malignant hyperthermia, susceptibility to, 1. Last evaluated: 2025-06-19. Review status: criteria provided, single submitter. Criteria: ACMG Guidelines, 2015. Collection method: clinical testing. Allele origin: germline.
Comment: This variant results in the deletion of one amino acid at codon 2850 in the RYR1 protein. To our knowledge, functional studies have not been reported for this variant. This variant has not been reported in individuals affected with RYR1-related disorders in the literature. This variant has not been identified in the general population by the Genome Aggregation Database (gnomAD). The available evidence is insufficient to determine the role of this variant in disease conclusively. Therefore, this variant is classified as a Variant of Uncertain Significance.